The following is an entry in ClinVar:

ClinVar aggregate classification (germline): Uncertain significance (1 of 4 stars; one submission).

Conditions:
Cardiovascular phenotype. Identifiers: MedGen CN230736.

Submission:

Ambry Genetics
Classification: Uncertain significance for Cardiovascular phenotype. Last evaluated: 2026-09-11. Review status: criteria provided, single submitter. Criteria: Ambry Variant Classification Scheme 2023. Collection method: clinical testing. Allele origin: germline.
Comment: The p.T549I variant (also known as c.1646C>T), located in coding exon 4 of the BAG3 gene, results from a C to T substitution at nucleotide position 1646. The threonine at codon 549 is replaced by isoleucine, an amino acid with similar properties. This amino acid position is conserved. In addition, this alteration is predicted to be tolerated by in silico analysis. Based on the available evidence, the clinical significance of this variant remains unclear.

NM_004281.4(BAG3):c.1646C>T (p.Thr549Ile)

Gene: BAG3 (BAG cochaperone 3; plus strand). Cytogenetic location: 10q26.11.
Variant type: single nucleotide variant.
Coding change: c.1646C>T on transcript NM_004281.4 (MANE Select); coding-DNA position 1646, C replaced by T.
Protein change: p.Thr549Ile; replaces threonine 549 with isoleucine.
Molecular consequence: missense variant.
Genome position (GRCh38, 1-based): chr10:119,677,200, C>T. VCF-style: chr10-119677200-C-T. GRCh37 (hg19) VCF-style: chr10-121436712-C-T.
Other names: short protein forms T549I.
Identifiers: ClinVar variation 2619519 (VCV002619519.3), dbSNP rs1160080805, ClinGen allele CA378297773.